The following is an entry in ClinVar:

NM_002133.3(HMOX1):c.350G>A (p.Arg117Gln)

Gene: HMOX1 (heme oxygenase 1; plus strand). Cytogenetic location: 22q12.3.
Variant type: single nucleotide variant.
Coding change: c.350G>A on transcript NM_002133.3 (MANE Select); coding-DNA position 350, G replaced by A.
Protein change: p.Arg117Gln; replaces arginine 117 with glutamine.
Molecular consequence: missense variant.
Genome position (GRCh38, 1-based): chr22:35,386,890, G>A. VCF-style: chr22-35386890-G-A. GRCh37 (hg19) VCF-style: chr22-35782883-G-A.
Other names: short protein forms R117Q.
Identifiers: ClinVar variation 1400017 (VCV001400017.5), dbSNP rs373670270, ClinGen allele CA10204702.

ClinVar aggregate classification (germline): Uncertain significance (1 of 4 stars; one submission).

Allele frequency attached by ClinVar (database versions not stated): gnomAD exomes below 0.00001; TOPMed 0.00001; ExAC 0.00002; gnomAD 0.00002; ESP Exome Variant Server 0.00008.
gnomAD v4.1: 10 of 1,613,962 alleles (0.00062%); highest among the groups gnomAD compares: Middle Eastern, 0.016%; no homozygotes.

Submission:

Labcorp Genetics (formerly Invitae), Labcorp
Classification: Uncertain significance. Last evaluated: 2021-09-24. Review status: criteria provided, single submitter. Criteria: Invitae Variant Classification Sherloc (09022015). Collection method: clinical testing. Allele origin: germline.
Comment: This sequence change replaces arginine with glutamine at codon 117 of the HMOX1 protein (p.Arg117Gln). The arginine residue is highly conserved and there is a small physicochemical difference between arginine and glutamine. This variant is present in population databases (rs373670270, ExAC 0.01%). This variant has not been reported in the literature in individuals with HMOX1-related conditions. Algorithms developed to predict the effect of missense changes on protein structure and function are either unavailable or do not agree on the potential impact of this missense change (SIFT: "Deleterious"; PolyPhen-2: "Possibly Damaging"; Align-GVGD: "Class C0"). In summary, the available evidence is currently insufficient to determine the role of this variant in disease. Therefore, it has been classified as a Variant of Uncertain Significance.